The following is an entry in ClinVar:

ClinVar aggregate classification (germline): Uncertain significance. Review status: criteria provided, multiple submitters, no conflicts (2 of 4 stars). 4 submissions from 4 submitters: Uncertain significance (4). Last evaluated 2025-07-10.

Conditions:
Cardiovascular phenotype. Identifiers: MedGen CN230736.
Dilated cardiomyopathy 1G (CMD1G). Identifiers: Orphanet 154, MedGen C1858763, MONDO:0011400, OMIM 604145.
Autosomal recessive limb-girdle muscular dystrophy type 2J (LGMDR10). Also called: MUSCULAR DYSTROPHY, LIMB-GIRDLE, AUTOSOMAL RECESSIVE 10; Limb-girdle muscular dystrophy, type 2J. Identifiers: Orphanet 140922, MedGen C1837342, MONDO:0012127, OMIM 608807.
TTN-related disorder. Also called: TTN-related condition; TTN-related disease; TTN-related disorders.
Myopathy, myofibrillar, 9, with early respiratory failure (MFM9). Also called: Myopathy, distal, with early respiratory failure, autosomal dominant; EDSTROM MYOPATHY; Hereditary myopathy with early respiratory failure; MYOPATHY, PROXIMAL, WITH EARLY RESPIRATORY MUSCLE INVOLVEMENT. Identifiers: Orphanet 178464, Orphanet 34521, MedGen C1863599, MONDO:0011362, OMIM 603689.
Early-onset myopathy with fatal cardiomyopathy (CMYO5). Also called: CONGENITAL MYOPATHY 5 WITH CARDIOMYOPATHY; Salih Myopathy. Identifiers: Orphanet 289377, MedGen C2673677, MONDO:0012714, OMIM 611705. Disease mechanism: loss of function.
Hypertrophic cardiomyopathy 9. Also called: Familial hypertrophic cardiomyopathy 9. Identifiers: MedGen C1861065, MONDO:0013412, OMIM 613765.
Tibial muscular dystrophy (TMD). Also called: Udd Distal Myopathy – Tibial Muscular Dystrophy; Tibial muscular dystrophy, tardive; UDD MYOPATHY. Identifiers: Orphanet 609, MedGen C1838244, MONDO:0010870, OMIM 600334.

Allele frequency attached by ClinVar (database versions not stated): gnomAD exomes 0.00002; TOPMed 0.00002; ExAC 0.00003; gnomAD 0.00003 and 0.00004.
gnomAD v4.1: 39 of 1,612,814 alleles (0.0024%); highest among the groups gnomAD compares: Non-Finnish European, 0.0028%; no homozygotes.

Submissions (4):

PreventionGenetics, part of Exact Sciences
Classification: Uncertain significance for TTN-related condition. Last evaluated: 2025-07-10. Review status: criteria provided, single submitter. Criteria: ACMG Guidelines, 2015. Collection method: clinical testing. Allele origin: germline.
Comment: The TTN c.62816G>A variant is predicted to result in the amino acid substitution p.Arg20939His. To our knowledge, this variant has not been reported in the literature. This variant is reported in 0.0041% of alleles in individuals of African descent in gnomAD. At this time, the clinical significance of this variant is uncertain due to the absence of conclusive functional and genetic evidence.

Fulgent Genetics
Classification: Uncertain significance for Tibial muscular dystrophy; Myopathy, myofibrillar, 9, with early respiratory failure; Dilated cardiomyopathy 1G; Autosomal recessive limb-girdle muscular dystrophy type 2J; Early-onset myopathy with fatal cardiomyopathy; Hypertrophic cardiomyopathy 9. Last evaluated: 2021-11-11. Review status: criteria provided, single submitter. Criteria: ACMG Guidelines, 2015. Collection method: clinical testing. Allele origin: unknown.

Ambry Genetics
Classification: Uncertain significance for Cardiovascular phenotype. Last evaluated: 2019-09-24. Review status: criteria provided, single submitter. Criteria: Ambry Variant Classification Scheme 2023. Collection method: clinical testing. Allele origin: germline.
Comment: The p.R11874H variant (also known as c.35621G>A), located in coding exon 131 of the TTN gene, results from a G to A substitution at nucleotide position 35621. The arginine at codon 11874 is replaced by histidine, an amino acid with highly similar properties. This amino acid position is highly conserved in available vertebrate species. In addition, this alteration is predicted to be tolerated by in silico analysis. Since supporting evidence is limited at this time, the clinical significance of this alteration remains unclear.

Labcorp Genetics (formerly Invitae), Labcorp
Classification: Uncertain significance for Dilated cardiomyopathy 1G; Autosomal recessive limb-girdle muscular dystrophy type 2J. Last evaluated: 2017-10-26. Review status: criteria provided, single submitter. Criteria: Invitae Variant Classification Sherloc (09022015). Collection method: clinical testing. Allele origin: germline.

NM_001267550.2(TTN):c.62816G>A (p.Arg20939His)

Genes: TTN (titin; minus strand), TTN-AS1 (TTN antisense RNA 1; plus strand). Cytogenetic location: 2q31.2.
Variant type: single nucleotide variant.
Coding change: c.62816G>A on transcript NM_001267550.2 (MANE Select); coding-DNA position 62816, G replaced by A.
Protein change: p.Arg20939His; replaces arginine 20939 with histidine.
Molecular consequence: missense variant.
Genome position (GRCh38, 1-based): chr2:178,588,909, C>T on the plus strand (G>A on the coding strand, the complement: TTN is on the minus strand). VCF-style: chr2-178588909-C-T. GRCh37 (hg19) VCF-style: chr2-179453636-C-T.
Other names: c.57893G>A, p.Arg19298His (NM_001256850.1); c.35621G>A, p.Arg11874His (NM_003319.4); c.55112G>A, p.Arg18371His (NM_133378.4); c.35996G>A, p.Arg11999His (NM_133432.3); c.36197G>A, p.Arg12066His (NM_133437.4); short protein forms R20939H, R11874H, R19298H, R11999H, R12066H, R18371H.
Identifiers: ClinVar variation 535377 (VCV000535377.7), dbSNP rs777095470, ClinGen allele CA1992179.